The following is an entry in ClinVar:

NM_000101.4(CYBA):c.184G>A (p.Gly62Ser)

Gene: CYBA (cytochrome b-245 alpha chain; minus strand). Cytogenetic location: 16q24.2.
Variant type: single nucleotide variant.
Coding change: c.184G>A on transcript NM_000101.4 (MANE Select); coding-DNA position 184, G replaced by A.
Protein change: p.Gly62Ser; replaces glycine 62 with serine.
Molecular consequence: missense variant.
Genome position (GRCh38, 1-based): chr16:88,647,120, C>T on the plus strand (G>A on the coding strand, the complement: CYBA is on the minus strand). VCF-style: chr16-88647120-C-T. GRCh37 (hg19) VCF-style: chr16-88713528-C-T.
Other names: short protein forms G62S.
Identifiers: ClinVar variation 2173853 (VCV002173853.1), dbSNP rs1236991685, ClinGen allele CA397064962.

ClinVar aggregate classification (germline): Uncertain significance (1 of 4 stars; one submission).

Conditions:
Granulomatous disease, chronic, autosomal recessive, cytochrome b-negative. Also called: GRANULOMATOUS DISEASE, CHRONIC, AUTOSOMAL RECESSIVE, 4; Chronic granulomatous disease, autosomal, due to deficiency of CYBA; CGD DUE TO DEFICIENCY OF THE ALPHA SUBUNIT OF CYTOCHROME b; CGD, AUTOSOMAL RECESSIVE CYTOCHROME b-NEGATIVE; CYBA DEFICIENCY. Identifiers: Orphanet 379, MedGen C1856255, MONDO:0009308, OMIM 233690.

Allele frequency attached by ClinVar (database versions not stated): gnomAD 0.00001; gnomAD exomes 0.00001; TOPMed 0.00001.
gnomAD v4.1: 9 of 1,611,160 alleles (0.00056%); highest among the groups gnomAD compares: South Asian, 0.0011%; no homozygotes.

Submission:

Labcorp Genetics (formerly Invitae), Labcorp
Classification: Uncertain significance for Granulomatous disease, chronic, autosomal recessive, cytochrome b-negative. Last evaluated: 2022-08-21. Review status: criteria provided, single submitter. Criteria: Invitae Variant Classification Sherloc (09022015). Collection method: clinical testing. Allele origin: germline.
Comment: This sequence change replaces glycine, which is neutral and non-polar, with serine, which is neutral and polar, at codon 62 of the CYBA protein (p.Gly62Ser). This variant is not present in population databases (gnomAD no frequency). This variant has not been reported in the literature in individuals affected with CYBA-related conditions. Algorithms developed to predict the effect of missense changes on protein structure and function are either unavailable or do not agree on the potential impact of this missense change (SIFT: "Tolerated"; PolyPhen-2: "Probably Damaging"; Align-GVGD: "Class C0"). In summary, the available evidence is currently insufficient to determine the role of this variant in disease. Therefore, it has been classified as a Variant of Uncertain Significance.